The following is an entry in ClinVar:

NM_001278116.2(L1CAM):c.3323-24dup

Gene: L1CAM (L1 cell adhesion molecule; minus strand). Cytogenetic location: Xq28.
Variant type: Duplication.
Coding change: c.3323-24dup on transcript NM_001278116.2 (MANE Select); 24 bases into the intron before coding-DNA position 3323, one base duplicated (G; older notation c.3323-24dupG).
Molecular consequence: intron variant.
Genome position (GRCh38, 1-based): chrX:153,864,036, C duplicated on the plus strand (G on the coding strand, the reverse complement: L1CAM is on the minus strand); the first of 6 consecutive C bases (chrX:153,864,036-153,864,041); duplicating any one gives the same sequence. VCF-style (leftmost placement, unchanged base first): chrX-153864035-G-GC. GRCh37 (hg19) VCF-style: chrX-153129490-G-GC.
Other names: c.3323-19dupG (NM_000425.4); c.3308-24dup (NM_001143963.2); c.3323-24dup (NM_024003.3, NM_000425.5).
Identifiers: ClinVar variation 445700 (VCV000445700.12), dbSNP rs782818719, ClinGen allele CA10553977.
Genomic context (GRCh38, chrX:153,864,035, plus strand): 5'-CAGCCCTCAGTGGCGAAGCCAGCAGGAGGGAGCCTCACGCGGCCTGAGGGTGAGACACCA[G>GC]CCCCCCGTGCTGCCGCCCAAGCCAGAACCCGACCTGAGGCCCTGAAGTATGCTCTTAAAG-3'

ClinVar aggregate classification (germline): Benign/Likely benign. Review status: criteria provided, multiple submitters, no conflicts (2 of 4 stars). 5 submissions from 5 submitters: Benign (1); Likely benign (3). 1 of the submissions does not count toward it. Last evaluated 2026-01-17.

Conditions:
L1CAM-related disorder. Also called: L1CAM-related condition.
Spastic paraplegia. Identifiers: MedGen C0037772, HP:0001258.

Submissions (5):

Labcorp Genetics (formerly Invitae), Labcorp
Classification: Benign for Spastic paraplegia. Last evaluated: 2026-01-17. Review status: criteria provided, single submitter. Criteria: Invitae Variant Classification Sherloc (09022015). Collection method: clinical testing. Allele origin: germline.

Blueprint Genetics
Classification: Likely benign. Last evaluated: 2024-09-24. Review status: criteria provided, single submitter. Criteria: ACMG Guidelines, 2015. Collection method: clinical testing. Allele origin: germline.

GeneDx
Classification: Likely benign. Last evaluated: 2017-08-11. Review status: criteria provided, single submitter. Criteria: GeneDx Variant Classification (06012015). Collection method: clinical testing. Allele origin: germline. Affected: yes.
Comment: This variant is considered likely benign or benign based on one or more of the following criteria: it is a conservative change, it occurs at a poorly conserved position in the protein, it is predicted to be benign by multiple in silico algorithms, and/or has population frequency not consistent with disease.

Center for Pediatric Genomic Medicine, Children's Mercy Hospital and Clinics
Classification: Likely benign. Last evaluated: 2017-06-26. Review status: criteria provided, single submitter. Criteria: ACMG Guidelines, 2015. Collection method: clinical testing. Allele origin: germline.

PreventionGenetics, part of Exact Sciences
Classification: Likely benign for L1CAM-related condition. Last evaluated: 2020-02-25. Review status: no assertion criteria provided. Collection method: clinical testing. Allele origin: germline. Not counted in ClinVar's aggregate classification.
Comment: This variant is classified as likely benign based on ACMG/AMP sequence variant interpretation guidelines (Richards et al. 2015 PMID: 25741868, with internal and published modifications).